The following is an entry in ClinVar:

ClinVar aggregate classification (germline): Likely benign. Review status: criteria provided, single submitter (1 of 4 stars). 2 submissions from 2 submitters: Likely benign (1). 1 of the submissions does not count toward it. Last evaluated 2026-03-01.

Conditions:
CAPN12-related disorder. Also called: CAPN12-related condition.

Allele frequency attached by ClinVar (database versions not stated): 1000 Genomes Project 30x 0.00219; 1000 Genomes Project 0.00240.
gnomAD v4.1: 4,405 of 1,612,468 alleles (0.27%); highest among the groups gnomAD compares: African/African-American, 0.48%; 8 homozygotes.

Submissions (2):

CeGaT Center for Human Genetics Tuebingen
Classification: Likely benign. Last evaluated: 2026-03-01. Review status: criteria provided, single submitter. Criteria: CeGaT Center For Human Genetics Tuebingen Variant Classification Criteria Version 2. Collection method: clinical testing. Allele origin: germline. Affected: yes. Observed: 1 variant allele.
Comment: CAPN12: BP5

PreventionGenetics, part of Exact Sciences
Classification: Likely benign for CAPN12-related condition. Last evaluated: 2023-05-17. Review status: no assertion criteria provided. Collection method: clinical testing. Allele origin: germline. Not counted in ClinVar's aggregate classification.
Comment: This variant is classified as likely benign based on ACMG/AMP sequence variant interpretation guidelines (Richards et al. 2015 PMID: 25741868, with internal and published modifications).

NM_144691.4(CAPN12):c.1051G>C (p.Gly351Arg)

Gene: CAPN12 (calpain 12; minus strand). Cytogenetic location: 19q13.2.
Variant type: single nucleotide variant.
Coding change: c.1051G>C on transcript NM_144691.4 (MANE Select); coding-DNA position 1051, G replaced by C.
Protein change: p.Gly351Arg; replaces glycine 351 with arginine.
Molecular consequence: missense variant.
Genome position (GRCh38, 1-based): chr19:38,737,553, C>G on the plus strand (G>C on the coding strand, the complement: CAPN12 is on the minus strand). VCF-style: chr19-38737553-C-G. GRCh37 (hg19) VCF-style: chr19-39228193-C-G.
Other names: short protein forms G351R.
Identifiers: ClinVar variation 3042263 (VCV003042263.6), dbSNP rs141065284, ClinGen allele CA9418903.
Genomic context (GRCh38, chr19:38,737,553, plus strand): 5'-CGCCGGAGTTGAAGCCACGCACCCAGCGGCCTTGGAAGGTGTGGACGTGCCAGCCGCCCC[C>G]CTCCGGGCTGGGGCCCAGCACCTCCGGGCTCAGCGAGCAGATCTGCACGGTGTCGAAATG-3'
Protein context (NP_653292.2, residues 341-361): SPEVLGPSPE[Gly351Arg]GGWHVHTFQG